The following is an entry in ClinVar:

NM_032387.5(WNK4):c.215C>T (p.Ser72Phe)

Gene: WNK4 (WNK lysine deficient protein kinase 4; plus strand). Cytogenetic location: 17q21.2.
Variant type: single nucleotide variant.
Coding change: c.215C>T on transcript NM_032387.5 (MANE Select); coding-DNA position 215, C replaced by T.
Protein change: p.Ser72Phe; replaces serine 72 with phenylalanine.
Molecular consequence: missense variant. On other transcripts: 5 prime UTR variant (1).
Genome position (GRCh38, 1-based): chr17:42,780,913, C>T. VCF-style: chr17-42780913-C-T. GRCh37 (hg19) VCF-style: chr17-40932931-C-T.
Other names: c.-705C>T (NM_001321299.2); short protein forms S72F.
Identifiers: ClinVar variation 5017338 (VCV005017338.1).
Genomic context (GRCh38, chr17:42,780,913, plus strand): 5'-CCCGGCCGCGCTCTTCTCGTCTCAGCCGCCGTAGCTCAGTCGACTTGGGGCTGCTGAGCT[C>T]TTGGTCCCTGCCAGCCTCACCCGCTCCGGACCCCCCCGATCCTCCGGACTCCGCTGGTCC-3'
Protein context (NP_115763.2, residues 62-82): RSSVDLGLLS[Ser72Phe]WSLPASPAPD

ClinVar aggregate classification (germline): Uncertain significance (1 of 4 stars; one submission).

Submission:

GeneDx
Classification: Uncertain significance. Last evaluated: 2026-03-24. Review status: criteria provided, single submitter. Criteria: GeneDx Variant Classification Process June 2021. Collection method: clinical testing. Allele origin: germline.
Comment: Not observed at significant frequency in large population cohorts (gnomAD); In silico analysis supports that this missense variant has a deleterious effect on protein structure/function; Has not been previously published as pathogenic or benign to our knowledge